The following is an entry in ClinVar:

ClinVar aggregate classification (germline): Uncertain significance (1 of 4 stars; one submission).

Allele frequency attached by ClinVar (database versions not stated): gnomAD exomes below 0.00001; gnomAD 0.00001.
gnomAD v4.1: 8 of 1,614,024 alleles (0.0005%); highest among the groups gnomAD compares: South Asian, 0.0011%; no homozygotes.

Submission:

Labcorp Genetics (formerly Invitae), Labcorp
Classification: Uncertain significance. Last evaluated: 2025-02-03. Review status: criteria provided, single submitter. Criteria: Invitae Variant Classification Sherloc (09022015). Collection method: clinical testing. Allele origin: germline.
Comment: This sequence change replaces asparagine, which is neutral and polar, with serine, which is neutral and polar, at codon 35 of the CCDC88A protein (p.Asn35Ser). This variant is present in population databases (no rsID available, gnomAD 0.007%). This variant has not been reported in the literature in individuals affected with CCDC88A-related conditions. ClinVar contains an entry for this variant (Variation ID: 1362112). An algorithm developed to predict the effect of missense changes on protein structure and function (PolyPhen-2) suggests that this variant is likely to be tolerated. In summary, the available evidence is currently insufficient to determine the role of this variant in disease. Therefore, it has been classified as a Variant of Uncertain Significance.

NM_001365480.1(CCDC88A):c.104A>G (p.Asn35Ser)

Gene: CCDC88A (coiled-coil and HOOK domain protein 88A; minus strand). Cytogenetic location: 2p16.1.
Variant type: single nucleotide variant.
Coding change: c.104A>G on transcript NM_001365480.1 (MANE Select); coding-DNA position 104, A replaced by G.
Protein change: p.Asn35Ser; replaces asparagine 35 with serine.
Molecular consequence: missense variant.
Genome position (GRCh38, 1-based): chr2:55,418,876, T>C on the plus strand (A>G on the coding strand, the complement: CCDC88A is on the minus strand). VCF-style: chr2-55418876-T-C. GRCh37 (hg19) VCF-style: chr2-55646012-T-C.
Other names: c.104A>G, p.Asn35Ser (NM_001135597.2, NM_001254943.2, NM_018084.5); short protein forms N35S.
Identifiers: ClinVar variation 1362112 (VCV001362112.6), dbSNP rs1182269346, ClinGen allele CA346912988.